The following is an entry in ClinVar:

NM_001386393.1(PANK2):c.731T>G (p.Phe244Cys)

Gene: PANK2 (pantothenate kinase 2; plus strand). Cytogenetic location: 20p13.
Variant type: single nucleotide variant.
Coding change: c.731T>G on transcript NM_001386393.1 (MANE Select); coding-DNA position 731, T replaced by G.
Protein change: p.Phe244Cys; replaces phenylalanine 244 with cysteine.
Molecular consequence: missense variant. On other transcripts: 5 prime UTR variant (1), non-coding transcript variant (1).
Genome position (GRCh38, 1-based): chr20:3,910,656, T>G. VCF-style: chr20-3910656-T-G. GRCh37 (hg19) VCF-style: chr20-3891303-T-G.
Other names: c.188T>G, p.Phe63Cys (NM_001324191.2, NM_024960.6, NM_153640.4); c.-248T>G (NM_001324193.2); c.1061T>G, p.Phe354Cys (NM_153638.4); short protein forms F354C, F244C, F63C.
Identifiers: ClinVar variation 2149607 (VCV002149607.4), dbSNP rs2090454701, ClinGen allele CA408114806.

ClinVar aggregate classification (germline): Uncertain significance (1 of 4 stars; one submission).

Conditions:
Pigmentary pallidal degeneration (NBIA1). Also called: Pantothenate Kinase-Associated Neurodegeneration; PKAN NEUROAXONAL DYSTROPHY, JUVENILE-ONSET; HARP SYNDROME; Neuroaxonal dystrophy, late infantile; Hallervorden-Spatz disease; Neurodegeneration with brain iron accumulation 1. Identifiers: Orphanet 157850, MedGen C0018523, MONDO:0009319, OMIM 234200.

Allele frequency attached by ClinVar (database versions not stated): gnomAD exomes below 0.00001; TOPMed below 0.00001; gnomAD 0.00001.
gnomAD v4.1: 2 of 1,614,084 alleles (0.00012%); highest among the groups gnomAD compares: Non-Finnish European, 0.00017%; no homozygotes.

Submission:

Labcorp Genetics (formerly Invitae), Labcorp
Classification: Uncertain significance for Pigmentary pallidal degeneration. Last evaluated: 2023-12-09. Review status: criteria provided, single submitter. Criteria: Invitae Variant Classification Sherloc (09022015). Collection method: clinical testing. Allele origin: germline.
Comment: This sequence change replaces phenylalanine, which is neutral and non-polar, with cysteine, which is neutral and slightly polar, at codon 354 of the PANK2 protein (p.Phe354Cys). This variant is not present in population databases (gnomAD no frequency). This variant has not been reported in the literature in individuals affected with PANK2-related conditions. ClinVar contains an entry for this variant (Variation ID: 2149607). Advanced modeling of protein sequence and biophysical properties (such as structural, functional, and spatial information, amino acid conservation, physicochemical variation, residue mobility, and thermodynamic stability) performed at Invitae indicates that this missense variant is expected to disrupt PANK2 protein function with a positive predictive value of 80%. In summary, the available evidence is currently insufficient to determine the role of this variant in disease. Therefore, it has been classified as a Variant of Uncertain Significance.